The following is an entry in ClinVar:

ClinVar aggregate classification (germline): Benign. Review status: criteria provided, multiple submitters, no conflicts (2 of 4 stars). 2 submissions from 2 submitters: Benign (2). Last evaluated 2018-01-12.

Conditions:
Peters plus syndrome. Also called: KRAUSE-KIVLIN SYNDROME. Identifiers: Orphanet 709, MedGen C0796012, MONDO:0009856, OMIM 261540.

Allele frequency attached by ClinVar (database versions not stated): 1000 Genomes Project 0.61721; 1000 Genomes Project 30x 0.61790; TOPMed 0.66354; gnomAD 0.66819 and 0.66864.

Submissions (2):

Illumina Laboratory Services, Illumina
Classification: Benign for Peters plus syndrome. Last evaluated: 2018-01-12. Review status: criteria provided, single submitter. Criteria: ICSL Variant Classification Criteria 13 December 2019. Collection method: clinical testing. Allele origin: germline.
Comment: This variant was observed in the ICSL laboratory as part of a predisposition screen in an ostensibly healthy population. It had not been previously curated by ICSL or reported in the Human Gene Mutation Database (HGMD: prior to June 1st, 2018), and was therefore a candidate for classification through an automated scoring system. Utilizing variant allele frequency, disease prevalence and penetrance estimates, and inheritance mode, an automated score was calculated to assess if this variant is too frequent to cause the disease. Based on the score and internal cut-off values, a variant classified as benign is not then subjected to further curation. The score for this variant resulted in a classification of benign for this disease.

Breakthrough Genomics
Classification: Benign. Review status: criteria provided, single submitter. Criteria: ACMG Guidelines, 2015. Collection method: not provided. Allele origin: germline. Inheritance: Autosomal recessive inheritance. Affected: yes.

NM_194318.4(B3GLCT):c.*2336A>C

Gene: B3GLCT (beta 3-glucosyltransferase; plus strand). Cytogenetic location: 13q12.3.
Variant type: single nucleotide variant.
Coding change: c.*2336A>C on transcript NM_194318.4 (MANE Select); 2336 bases downstream of the stop codon, A replaced by C.
Molecular consequence: 3 prime UTR variant.
Genome position (GRCh38, 1-based): chr13:31,332,004, A>C. VCF-style: chr13-31332004-A-C. GRCh37 (hg19) VCF-style: chr13-31906141-A-C.
Identifiers: ClinVar variation 880658 (VCV000880658.5), dbSNP rs13080, ClinGen allele CA15778442.